The following is an entry in ClinVar:

ClinVar aggregate classification (germline): Uncertain significance (1 of 4 stars; one submission).

Conditions:
Cystic fibrosis (CF). Also called: MUCOVISCIDOSIS. Identifiers: Orphanet 586, MedGen C0010674, MONDO:0009061, OMIM 219700. Disease mechanism: loss of function.

gnomAD v4.1: 1 of 1,611,606 alleles (0.000062%); highest among the groups gnomAD compares: Non-Finnish European, 0.000085%; no homozygotes.

Submission:

Labcorp Genetics (formerly Invitae), Labcorp
Classification: Uncertain significance for Cystic fibrosis. Last evaluated: 2025-04-13. Review status: criteria provided, single submitter. Criteria: Invitae Variant Classification Sherloc (09022015). Collection method: clinical testing. Allele origin: germline.
Comment: This sequence change falls in intron 16 of the CFTR gene. It does not directly change the encoded amino acid sequence of the CFTR protein. It affects a nucleotide within the consensus splice site. This variant is not present in population databases (gnomAD no frequency). This variant has not been reported in the literature in individuals affected with CFTR-related conditions. ClinVar contains an entry for this variant (Variation ID: 2079385). Variants that disrupt the consensus splice site are a relatively common cause of aberrant splicing (PMID: 17576681, 9536098). Algorithms developed to predict the effect of sequence changes on RNA splicing suggest that this variant may disrupt the consensus splice site. In summary, the available evidence is currently insufficient to determine the role of this variant in disease. Therefore, it has been classified as a Variant of Uncertain Significance.

Literature cited by the submitters: PubMed 17576681; PubMed 9536098.

NM_000492.4(CFTR):c.2657+3G>C

Gene: CFTR (CF transmembrane conductance regulator; plus strand). Cytogenetic location: 7q31.2.
Variant type: single nucleotide variant.
Coding change: c.2657+3G>C on transcript NM_000492.4 (MANE Select); 3 bases into the intron after coding-DNA position 2657, G replaced by C.
Molecular consequence: intron variant.
Genome position (GRCh38, 1-based): chr7:117,602,866, G>C. VCF-style: chr7-117602866-G-C. GRCh37 (hg19) VCF-style: chr7-117242920-G-C.
Identifiers: ClinVar variation 2079385 (VCV002079385.2), dbSNP rs1562911279, ClinGen allele CA2580076321.